The following is an entry in ClinVar:

NM_015466.4(PTPN23):c.694C>T (p.Arg232Trp)

Gene: PTPN23 (protein tyrosine phosphatase non-receptor type 23; plus strand). Cytogenetic location: 3p21.31.
Variant type: single nucleotide variant.
Coding change: c.694C>T on transcript NM_015466.4 (MANE Select); coding-DNA position 694, C replaced by T.
Protein change: p.Arg232Trp; replaces arginine 232 with tryptophan.
Molecular consequence: missense variant.
Genome position (GRCh38, 1-based): chr3:47,406,547, C>T. VCF-style: chr3-47406547-C-T. GRCh37 (hg19) VCF-style: chr3-47448037-C-T.
Other names: c.316C>T, p.Arg106Trp (NM_001304482.2); short protein forms R232W, R106W.
Identifiers: ClinVar variation 1351996 (VCV001351996.6), dbSNP rs556275635, ClinGen allele CA2365429.

ClinVar aggregate classification (germline): Uncertain significance (1 of 4 stars; one submission).

Allele frequency attached by ClinVar (database versions not stated): gnomAD exomes below 0.00001 and 0.00001; ExAC 0.00001; gnomAD 0.00001; TOPMed 0.00001; 1000 Genomes Project 0.00020; 1000 Genomes Project 30x 0.00031.

Submission:

Labcorp Genetics (formerly Invitae), Labcorp
Classification: Uncertain significance. Last evaluated: 2024-10-29. Review status: criteria provided, single submitter. Criteria: Invitae Variant Classification Sherloc (09022015). Collection method: clinical testing. Allele origin: germline.
Comment: This sequence change replaces arginine, which is basic and polar, with tryptophan, which is neutral and slightly polar, at codon 232 of the PTPN23 protein (p.Arg232Trp). This variant is present in population databases (rs556275635, gnomAD 0.01%). This variant has not been reported in the literature in individuals affected with PTPN23-related conditions. ClinVar contains an entry for this variant (Variation ID: 1351996). Experimental studies and prediction algorithms are not available or were not evaluated, and the functional significance of this variant is currently unknown. In summary, the available evidence is currently insufficient to determine the role of this variant in disease. Therefore, it has been classified as a Variant of Uncertain Significance.